The following is an entry in ClinVar:

NM_015072.5(TTLL5):c.1282-2A>G

Gene: TTLL5 (tubulin tyrosine ligase like 5; plus strand). Cytogenetic location: 14q24.3.
Variant type: single nucleotide variant.
Coding change: c.1282-2A>G on transcript NM_015072.5 (MANE Select); the canonical splice acceptor site of the intron before coding-DNA position 1282, A replaced by G.
Molecular consequence: splice acceptor variant.
Genome position (GRCh38, 1-based): chr14:75,745,093, A>G. VCF-style: chr14-75745093-A-G. GRCh37 (hg19) VCF-style: chr14-76211436-A-G.
Identifiers: ClinVar variation 2991681 (VCV002991681.3), dbSNP rs768090063, ClinGen allele CA7279334.

ClinVar aggregate classification (germline): Pathogenic (1 of 4 stars; one submission).

Allele frequency attached by ClinVar (database versions not stated): gnomAD exomes below 0.00001; ExAC 0.00001.
gnomAD v4.1: 6 of 1,613,556 alleles (0.00037%); highest among the groups gnomAD compares: Non-Finnish European, 0.00042%; no homozygotes.

Submission:

Labcorp Genetics (formerly Invitae), Labcorp
Classification: Pathogenic. Last evaluated: 2025-03-19. Review status: criteria provided, single submitter. Criteria: Invitae Variant Classification Sherloc (09022015). Collection method: clinical testing. Allele origin: germline.
Comment: This sequence change affects an acceptor splice site in intron 15 of the TTLL5 gene. It is expected to disrupt RNA splicing. Variants that disrupt the donor or acceptor splice site typically lead to a loss of protein function (PMID: 16199547), and loss-of-function variants in TTLL5 are known to be pathogenic (PMID: 24791901, 27162334). This variant is present in population databases (rs768090063, gnomAD 0.0009%). Disruption of this splice site has been observed in individual(s) with clinical features of cone-rod dystrophy (PMID: 34203883). In at least one individual the data is consistent with being in trans (on the opposite chromosome) from a pathogenic variant. ClinVar contains an entry for this variant (Variation ID: 2991681). Algorithms developed to predict the effect of sequence changes on RNA splicing suggest that this variant may disrupt the consensus splice site. For these reasons, this variant has been classified as Pathogenic.

Literature cited by the submitters: PubMed 16199547; PubMed 24791901; PubMed 27162334; PubMed 34203883.